The following is an entry in ClinVar:

NM_000294.3(PHKG2):c.1030C>T (p.Arg344Trp)

Gene: PHKG2 (phosphorylase kinase catalytic subunit gamma 2; plus strand). Cytogenetic location: 16p11.2.
Variant type: single nucleotide variant.
Coding change: c.1030C>T on transcript NM_000294.3 (MANE Select); coding-DNA position 1030, C replaced by T.
Protein change: p.Arg344Trp; replaces arginine 344 with tryptophan.
Molecular consequence: missense variant.
Genome position (GRCh38, 1-based): chr16:30,756,906, C>T. VCF-style: chr16-30756906-C-T. GRCh37 (hg19) VCF-style: chr16-30768227-C-T.
Other names: c.1030C>T, p.Arg344Trp (NM_001172432.2); short protein forms R344W.
Identifiers: ClinVar variation 948014 (VCV000948014.6), dbSNP rs564686049, ClinGen allele CA8013388.
Genomic context (GRCh38, chr16:30,756,906, plus strand): 5'-AGCACCCATCGTGTACGGCCACTGACCAAGAATGCACTGTTGAGGGACCCTTATGCGCTG[C>T]GGTCAGTGCGGCACCTCATCGACAACTGTGCCTTCCGGCTCTACGGGCACTGGGTAAAGA-3'
Protein context (NP_000285.1, residues 334-354): NALLRDPYAL[Arg344Trp]SVRHLIDNCA

ClinVar aggregate classification (germline): Uncertain significance (1 of 4 stars; one submission).

Conditions:
Glycogen storage disease IXc (GSD9C). Also called: GSD IXc. Identifiers: Orphanet 264580, MedGen C2751643, MONDO:0013091, OMIM 613027.

Allele frequency attached by ClinVar (database versions not stated): gnomAD 0.00003 and 0.00004; gnomAD exomes 0.00003 and 0.00008; TOPMed 0.00005; ExAC 0.00008; 1000 Genomes Project 30x 0.00016; 1000 Genomes Project 0.00020.
gnomAD v4.1: 55 of 1,614,082 alleles (0.0034%); highest among the groups gnomAD compares: South Asian, 0.033%; 1 homozygote.

Submission:

Labcorp Genetics (formerly Invitae), Labcorp
Classification: Uncertain significance for Glycogen storage disease IXc. Last evaluated: 2021-08-30. Review status: criteria provided, single submitter. Criteria: Invitae Variant Classification Sherloc (09022015). Collection method: clinical testing. Allele origin: germline.
Comment: This sequence change replaces arginine with tryptophan at codon 344 of the PHKG2 protein (p.Arg344Trp). The arginine residue is highly conserved and there is a moderate physicochemical difference between arginine and tryptophan. This variant is present in population databases (rs564686049, ExAC 0.05%). This variant has not been reported in the literature in individuals affected with PHKG2-related conditions. Algorithms developed to predict the effect of missense changes on protein structure and function (SIFT, PolyPhen-2, Align-GVGD) all suggest that this variant is likely to be disruptive. In summary, the available evidence is currently insufficient to determine the role of this variant in disease. Therefore, it has been classified as a Variant of Uncertain Significance.